The following is an entry in ClinVar:

ClinVar aggregate classification (germline): Conflicting classifications of pathogenicity. Review status: criteria provided, conflicting classifications (1 of 4 stars). 4 submissions from 4 submitters: Likely pathogenic (1); Uncertain significance (1). 2 of the submissions do not count toward it. Last evaluated 2026-02-02.

Conditions:
Congenital defect of folate absorption. Also called: Hereditary Folate Malabsorption. Identifiers: Orphanet 90045, MedGen C0342705, MONDO:0009238, OMIM 229050.

gnomAD v4.1: 1 of 1,613,698 alleles (0.000062%); highest among the groups gnomAD compares: Middle Eastern, 0.017%; no homozygotes.

Submissions (4):

GeneDx
Classification: Uncertain significance. Last evaluated: 2026-02-02. Review status: criteria provided, single submitter. Criteria: GeneDx Variant Classification Process June 2021. Collection method: clinical testing. Allele origin: germline.
Comment: Not observed at significant frequency in large population cohorts (gnomAD); In silico analysis supports that this missense variant has a deleterious effect on protein structure/function; Has not been previously published as pathogenic or benign to our knowledge

Labcorp Genetics (formerly Invitae), Labcorp
Classification: Likely pathogenic. Last evaluated: 2022-07-21. Review status: criteria provided, single submitter. Criteria: Invitae Variant Classification Sherloc (09022015). Collection method: clinical testing. Allele origin: germline.
Comment: In summary, the currently available evidence indicates that the variant is pathogenic, but additional data are needed to prove that conclusively. Therefore, this variant has been classified as Likely Pathogenic. Experimental studies have shown that this missense change affects SLC46A1 function (PMID: 17446347, 22345511). Algorithms developed to predict the effect of variants on protein structure and function are not available or were not evaluated for this variant. ClinVar contains an entry for this variant (Variation ID: 21743). This missense change has been observed in individuals with clinical features of hereditary folate malabsorption (PMID: 17446347; Invitae). This variant is not present in population databases (gnomAD no frequency). This sequence change replaces proline, which is neutral and non-polar, with arginine, which is basic and polar, at codon 425 of the SLC46A1 protein (p.Pro425Arg).

GeneReviews
No classification provided. Condition: Congenital defect of folate absorption. Review status: no classification provided. Collection method: literature only. Allele origin: germline. Not counted in ClinVar's aggregate classification.

UniProtKB/Swiss-Prot
No classification provided. Review status: no classification provided. Collection method: not provided. Allele origin: not provided. Not counted in ClinVar's aggregate classification.

Literature cited by the submitters: PubMed 17446347 (cited by Labcorp Genetics (formerly Invitae), Labcorp); PubMed 22345511 (cited by Labcorp Genetics (formerly Invitae), Labcorp); NCBI Bookshelf NBK1673 (cited by GeneReviews); PubMed 20301716 (cited by GeneReviews).

NM_080669.6(SLC46A1):c.1274C>G (p.Pro425Arg)

Genes: SARM1 (sterile alpha and TIR motif containing 1; plus strand), SLC46A1 (solute carrier family 46 member 1; minus strand). Cytogenetic location: 17q11.2.
Variant type: single nucleotide variant.
Coding change: c.1274C>G on transcript NM_080669.6 (MANE Select); coding-DNA position 1274, C replaced by G.
Protein change: p.Pro425Arg; replaces proline 425 with arginine.
Molecular consequence: missense variant. On other transcripts: 3 prime UTR variant (1).
Genome position (GRCh38, 1-based): chr17:28,400,658, G>C on the plus strand (C>G on the coding strand, the complement: SLC46A1 is on the minus strand). VCF-style: chr17-28400658-G-C. GRCh37 (hg19) VCF-style: chr17-26727674-G-C.
Other names: c.1274C>G (NM_080669.4); c.1190C>G, p.Pro397Arg (NM_001242366.3); c.*4372G>C (NM_015077.4); short protein forms P425R, P397R.
Identifiers: ClinVar variation 21743 (VCV000021743.9), dbSNP rs80338774, ClinGen allele CA026498.